The following is an entry in ClinVar:

NM_001943.5(DSG2):c.1651A>G (p.Ser551Gly)

Gene: DSG2 (desmoglein 2; plus strand). Cytogenetic location: 18q12.1.
Variant type: single nucleotide variant.
Coding change: c.1651A>G on transcript NM_001943.5 (MANE Select); coding-DNA position 1651, A replaced by G.
Protein change: p.Ser551Gly; replaces serine 551 with glycine.
Molecular consequence: missense variant.
Genome position (GRCh38, 1-based): chr18:31,536,429, A>G. VCF-style: chr18-31536429-A-G. GRCh37 (hg19) VCF-style: chr18-29116392-A-G.
Other names: short protein forms S551G.
Identifiers: ClinVar variation 2732937 (VCV002732937.3), dbSNP rs2510918004, ClinGen allele CA402142310.

ClinVar aggregate classification (germline): Uncertain significance (1 of 4 stars; one submission).

Conditions:
Arrhythmogenic right ventricular dysplasia 10. Also called: Arrhythmogenic Right Ventricular Dysplasia/Cardiomyopathy10; ARRHYTHMOGENIC RIGHT VENTRICULAR DYSPLASIA, FAMILIAL, 10; Arrhythmogenic right ventricular dysplasia/cardiomyopathy, type 10. Identifiers: MedGen C1857777, MONDO:0012434, OMIM 610193.

Submission:

Labcorp Genetics (formerly Invitae), Labcorp
Classification: Uncertain significance for Arrhythmogenic right ventricular dysplasia 10. Last evaluated: 2023-08-28. Review status: criteria provided, single submitter. Criteria: Invitae Variant Classification Sherloc (09022015). Collection method: clinical testing. Allele origin: germline.
Comment: In summary, the available evidence is currently insufficient to determine the role of this variant in disease. Therefore, it has been classified as a Variant of Uncertain Significance. Algorithms developed to predict the effect of missense changes on protein structure and function output the following: SIFT: "Not Available"; PolyPhen-2: "Benign"; Align-GVGD: "Not Available". The glycine amino acid residue is found in multiple mammalian species, which suggests that this missense change does not adversely affect protein function. This variant has not been reported in the literature in individuals affected with DSG2-related conditions. This variant is not present in population databases (gnomAD no frequency). This sequence change replaces serine, which is neutral and polar, with glycine, which is neutral and non-polar, at codon 551 of the DSG2 protein (p.Ser551Gly).